The following is an entry in ClinVar:

NM_001206927.2(DNAH8):c.4977C>T (p.Thr1659=)

Gene: DNAH8 (dynein axonemal heavy chain 8; plus strand). Cytogenetic location: 6p21.2.
Variant type: single nucleotide variant.
Coding change: c.4977C>T on transcript NM_001206927.2 (MANE Select); coding-DNA position 4977, C replaced by T.
Protein change: p.Thr1659=; no amino-acid change (threonine 1659 retained).
Molecular consequence: synonymous variant.
Genome position (GRCh38, 1-based): chr6:38,845,705, C>T. VCF-style: chr6-38845705-C-T. GRCh37 (hg19) VCF-style: chr6-38813481-C-T.
Other names: c.4326C>T, p.Thr1442= (NM_001371.4).
Identifiers: ClinVar variation 3771103 (VCV003771103.13).

ClinVar aggregate classification (germline): Likely benign (1 of 4 stars; one submission).

gnomAD v4.1: 56 of 1,613,768 alleles (0.0035%); highest among the groups gnomAD compares: Admixed American, 0.005%; no homozygotes.

Submission:

CeGaT Center for Human Genetics Tuebingen
Classification: Likely benign. Last evaluated: 2025-02-01. Review status: criteria provided, single submitter. Criteria: CeGaT Center For Human Genetics Tuebingen Variant Classification Criteria Version 2. Collection method: clinical testing. Allele origin: germline. Affected: yes. Observed: 1 variant allele.
Comment: DNAH8: BP4, BP7